The following is an entry in ClinVar:

ClinVar aggregate classification (germline): Uncertain significance (1 of 4 stars; one submission).

Conditions:
Charcot-Marie-Tooth disease type 2E (CMT2E). Also called: CHARCOT-MARIE-TOOTH DISEASE, AXONAL, TYPE 2E; CHARCOT-MARIE-TOOTH NEUROPATHY, TYPE 2E. Identifiers: Orphanet 99939, MedGen C1843225, MONDO:0011894, OMIM 607684.

Submission:

Labcorp Genetics (formerly Invitae), Labcorp
Classification: Uncertain significance for Charcot-Marie-Tooth disease type 2E. Last evaluated: 2022-11-18. Review status: criteria provided, single submitter. Criteria: Invitae Variant Classification Sherloc (09022015). Collection method: clinical testing. Allele origin: germline.
Comment: In summary, the available evidence is currently insufficient to determine the role of this variant in disease. Therefore, it has been classified as a Variant of Uncertain Significance. This variant disrupts the p.Tyr389 amino acid residue in NEFL. Other variant(s) that disrupt this residue have been determined to be pathogenic (PMID: 25583183; Invitae). This suggests that this residue is clinically significant, and that variants that disrupt this residue are likely to be disease-causing. Advanced modeling of protein sequence and biophysical properties (such as structural, functional, and spatial information, amino acid conservation, physicochemical variation, residue mobility, and thermodynamic stability) performed at Invitae indicates that this missense variant is expected to disrupt NEFL protein function. This missense change has been observed in individual(s) with Charcot-Marie-Tooth disease (Invitae). This variant is not present in population databases (gnomAD no frequency). This sequence change replaces tyrosine, which is neutral and polar, with serine, which is neutral and polar, at codon 389 of the NEFL protein (p.Tyr389Ser).

Literature cited by the submitters: PubMed 25583183.

NM_006158.5(NEFL):c.1166A>C (p.Tyr389Ser)

Genes: NEFL (neurofilament light chain; minus strand), LOC126860330 (BRD4-independent group 4 enhancer GRCh37_chr8:24811677-24812876; plus strand). Cytogenetic location: 8p21.2.
Variant type: single nucleotide variant.
Coding change: c.1166A>C on transcript NM_006158.5 (MANE Select); coding-DNA position 1166, A replaced by C.
Protein change: p.Tyr389Ser; replaces tyrosine 389 with serine.
Molecular consequence: missense variant.
Genome position (GRCh38, 1-based): chr8:24,954,184, T>G on the plus strand (A>C on the coding strand, the complement: NEFL is on the minus strand). VCF-style: chr8-24954184-T-G. GRCh37 (hg19) VCF-style: chr8-24811698-T-G.
Other names: short protein forms Y389S.
Identifiers: ClinVar variation 2804039 (VCV002804039.3), dbSNP rs2486883041, ClinGen allele CA370620765.